The following is an entry in ClinVar:

ClinVar aggregate classification (germline): Uncertain significance. Review status: criteria provided, multiple submitters, no conflicts (2 of 4 stars). 2 submissions from 2 submitters: Uncertain significance (2). Last evaluated 2025-10-09.

Conditions:
Developmental delay with variable intellectual impairment and behavioral abnormalities. Identifiers: MedGen C5193092, MONDO:0032745, OMIM 618430.

Allele frequency attached by ClinVar (database versions not stated): gnomAD exomes 0.00001; ExAC 0.00003; gnomAD 0.00005; TOPMed 0.00006.
gnomAD v4.1: 23 of 1,614,036 alleles (0.0014%); highest among the groups gnomAD compares: Admixed American, 0.013%; no homozygotes.

Submissions (3):

Labcorp Genetics (formerly Invitae), Labcorp
Classification: Uncertain significance. Last evaluated: 2025-10-09. Review status: criteria provided, single submitter. Criteria: Invitae Variant Classification Sherloc (09022015). Collection method: clinical testing. Allele origin: germline.
Comment: This sequence change replaces alanine, which is neutral and non-polar, with valine, which is neutral and non-polar, at codon 1681 of the TCF20 protein (p.Ala1681Val). This variant is present in population databases (rs773183893, gnomAD 0.009%). This variant has not been reported in the literature in individuals affected with TCF20-related conditions. ClinVar contains an entry for this variant (Variation ID: 2167086). An algorithm developed to predict the effect of missense changes on protein structure and function outputs the following: PolyPhen-2: "Benign". The valine amino acid residue is found in multiple mammalian species, which suggests that this missense change does not adversely affect protein function. In summary, the available evidence is currently insufficient to determine the role of this variant in disease. Therefore, it has been classified as a Variant of Uncertain Significance.

Revvity Omics, Revvity
Classification: Uncertain significance for Developmental delay with variable intellectual impairment and behavioral abnormalities. Last evaluated: 2020-06-18. Review status: criteria provided, single submitter. Criteria: ACMG Guidelines, 2015. Collection method: clinical testing. Allele origin: germline.

Dr. Peter K. Rogan Lab, Western University
No classification provided (evidence only). Condition: Thymoma. Review status: no classification provided. Collection method: in vitro. Allele origin: not applicable. Functional consequence: retained intron. Not counted in ClinVar's aggregate classification.

NM_001378418.1(TCF20):c.5042C>T (p.Ala1681Val)

Gene: TCF20 (transcription factor 20; minus strand). Cytogenetic location: 22q13.2.
Variant type: single nucleotide variant.
Coding change: c.5042C>T on transcript NM_001378418.1 (MANE Select); coding-DNA position 5042, C replaced by T.
Protein change: p.Ala1681Val; replaces alanine 1681 with valine.
Molecular consequence: missense variant.
Genome position (GRCh38, 1-based): chr22:42,210,264, G>A on the plus strand (C>T on the coding strand, the complement: TCF20 is on the minus strand). VCF-style: chr22-42210264-G-A. GRCh37 (hg19) VCF-style: chr22-42606270-G-A.
Other names: c.5042C>T, p.Ala1681Val (NM_005650.4, NM_181492.3); c.5042C>T (NM_005650.3); short protein forms A1681V.
Identifiers: ClinVar variation 2167086 (VCV002167086.8), dbSNP rs773183893, ClinGen allele CA10266548.